The following is an entry in ClinVar:

ClinVar aggregate classification (germline): Likely pathogenic (1 of 4 stars; one submission).

Conditions:
Ullrich congenital muscular dystrophy 1A. Also called: Intermediate COL6-RD; Ullrich congenital muscular dystrophy 1. Identifiers: Orphanet 75840, MedGen C0410179, MONDO:0009681, OMIM 254090.

gnomAD v4.1: 4 of 1,613,616 alleles (0.00025%); highest among the groups gnomAD compares: Non-Finnish European, 0.00034%; no homozygotes.

Submission:

Women's Health and Genetics/Laboratory Corporation of America, LabCorp
Classification: Likely pathogenic for Ullrich congenital muscular dystrophy 1A. Last evaluated: 2022-07-18. Review status: criteria provided, single submitter. Criteria: LabCorp Variant Classification Summary - May 2015. Collection method: clinical testing. Allele origin: germline.
Comment: Variant summary: COL6A3 c.6424C>T (p.Arg2142X) results in a premature termination codon, predicted to cause a truncation of the encoded protein or absence of the protein due to nonsense mediated decay, which are commonly known mechanisms for disease. Truncations downstream of this position have been classified as pathogenic in ClinVar (example c.8931del (p.Ala2978fs), c.7796_7797del (p.Phe2599fs)). The variant was absent in 251422 control chromosomes (gnomAD). c.6424C>T has been reported in the literature in at least one individual affected with limb girdle muscular dystrophy (e.g. Fincha_2018). No clinical diagnostic laboratories have submitted clinical-significance assessments for this variant to ClinVar after 2014. Based on the evidence outlined above, the variant was classified as likely pathogenic.

Literature cited by the submitters: PubMed 29970176; PubMed 34720847.

NM_004369.4(COL6A3):c.6424C>T (p.Arg2142Ter)

Gene: COL6A3 (collagen type VI alpha 3 chain; minus strand). Cytogenetic location: 2q37.3.
Variant type: single nucleotide variant.
Coding change: c.6424C>T on transcript NM_004369.4 (MANE Select); coding-DNA position 6424, C replaced by T.
Protein change: p.Arg2142Ter; replaces arginine 2142 with a stop codon.
Molecular consequence: nonsense.
Genome position (GRCh38, 1-based): chr2:237,358,568, G>A on the plus strand (C>T on the coding strand, the complement: COL6A3 is on the minus strand). VCF-style: chr2-237358568-G-A. GRCh37 (hg19) VCF-style: chr2-238267211-G-A.
Other names: c.4603C>T, p.Arg1535Ter (NM_057166.5); c.5806C>T, p.Arg1936Ter (NM_057167.4); short protein forms R1535*, R2142*, R1936*.
Identifiers: ClinVar variation 1704544 (VCV001704544.1), dbSNP rs530866854, ClinGen allele CA351215429.